The following is an entry in ClinVar:

NM_004525.3(LRP2):c.13135C>T (p.Pro4379Ser)

Gene: LRP2 (LDL receptor related protein 2; minus strand). Cytogenetic location: 2q31.1.
Variant type: single nucleotide variant.
Coding change: c.13135C>T on transcript NM_004525.3 (MANE Select); coding-DNA position 13135, C replaced by T.
Protein change: p.Pro4379Ser; replaces proline 4379 with serine.
Molecular consequence: missense variant.
Genome position (GRCh38, 1-based): chr2:169,140,519, G>A on the plus strand (C>T on the coding strand, the complement: LRP2 is on the minus strand). VCF-style: chr2-169140519-G-A. GRCh37 (hg19) VCF-style: chr2-169997029-G-A.
Other names: short protein forms P4379S.
Identifiers: ClinVar variation 1951791 (VCV001951791.6), dbSNP rs755923476, ClinGen allele CA349158200.

ClinVar aggregate classification (germline): Uncertain significance. Review status: criteria provided, multiple submitters, no conflicts (2 of 4 stars). 2 submissions from 2 submitters: Uncertain significance (2). Last evaluated 2024-04-07.

Conditions:
Donnai-Barrow syndrome. Also called: DBS/FOAR SYNDROME; FACIOOCULOACOUSTICORENAL SYNDROME. Identifiers: Orphanet 2143, MedGen C1857277, MONDO:0009104, OMIM 222448.

Allele frequency attached by ClinVar (database versions not stated): TOPMed below 0.00001.
gnomAD v4.1: 18 of 1,613,994 alleles (0.0011%); highest among the groups gnomAD compares: Non-Finnish European, 0.0014%; no homozygotes.

Submissions (2):

Fulgent Genetics
Classification: Uncertain significance for Donnai-Barrow syndrome. Last evaluated: 2024-04-07. Review status: criteria provided, single submitter. Criteria: ACMG Guidelines, 2015. Collection method: clinical testing. Allele origin: germline.

Labcorp Genetics (formerly Invitae), Labcorp
Classification: Uncertain significance. Last evaluated: 2022-02-09. Review status: criteria provided, single submitter. Criteria: Invitae Variant Classification Sherloc (09022015). Collection method: clinical testing. Allele origin: germline.
Comment: In summary, the available evidence is currently insufficient to determine the role of this variant in disease. Therefore, it has been classified as a Variant of Uncertain Significance. Advanced modeling of protein sequence and biophysical properties (such as structural, functional, and spatial information, amino acid conservation, physicochemical variation, residue mobility, and thermodynamic stability) performed at Invitae indicates that this missense variant is not expected to disrupt LRP2 protein function. This variant has not been reported in the literature in individuals affected with LRP2-related conditions. The frequency data for this variant in the population databases is considered unreliable, as metrics indicate poor data quality at this position in the gnomAD database. This sequence change replaces proline, which is neutral and non-polar, with serine, which is neutral and polar, at codon 4379 of the LRP2 protein (p.Pro4379Ser).